The following is an entry in ClinVar:

ClinVar aggregate classification (germline): Uncertain significance (1 of 4 stars; one submission).

gnomAD v4.1: 4 of 1,614,010 alleles (0.00025%); highest among the groups gnomAD compares: Non-Finnish European, 0.00025%; no homozygotes.

Submission:

Labcorp Genetics (formerly Invitae), Labcorp
Classification: Uncertain significance. Last evaluated: 2022-10-13. Review status: criteria provided, single submitter. Criteria: Invitae Variant Classification Sherloc (09022015). Collection method: clinical testing. Allele origin: germline.
Comment: This variant has not been reported in the literature in individuals affected with RIMS1-related conditions. This variant is present in population databases (no rsID available, gnomAD 0.0009%). This sequence change replaces proline, which is neutral and non-polar, with threonine, which is neutral and polar, at codon 64 of the RIMS1 protein (p.Pro64Thr). In summary, the available evidence is currently insufficient to determine the role of this variant in disease. Therefore, it has been classified as a Variant of Uncertain Significance. Algorithms developed to predict the effect of missense changes on protein structure and function are either unavailable or do not agree on the potential impact of this missense change (SIFT: "Deleterious"; PolyPhen-2: "Probably Damaging"; Align-GVGD: "Class C0").

NM_014989.7(RIMS1):c.190C>A (p.Pro64Thr)

Gene: RIMS1 (regulating synaptic membrane exocytosis 1; plus strand). Cytogenetic location: 6q13.
Variant type: single nucleotide variant.
Coding change: c.190C>A on transcript NM_014989.7 (MANE Select); coding-DNA position 190, C replaced by A.
Protein change: p.Pro64Thr; replaces proline 64 with threonine.
Molecular consequence: missense variant. On other transcripts: intron variant (1).
Genome position (GRCh38, 1-based): chr6:71,969,008, C>A. VCF-style: chr6-71969008-C-A. GRCh37 (hg19) VCF-style: chr6-72678711-C-A.
Other names: c.190C>A, p.Pro64Thr (NM_001350411.1, NM_001350413.1); c.164+81821C>A (NM_001350412.1); short protein forms P64T.
Identifiers: ClinVar variation 1912407 (VCV001912407.5), dbSNP rs759206263, ClinGen allele CA364818074.